The following is an entry in ClinVar:

NM_001165963.4(SCN1A):c.862G>C (p.Glu288Gln)

Gene: SCN1A (sodium voltage-gated channel alpha subunit 1; minus strand). Cytogenetic location: 2q24.3.
Variant type: single nucleotide variant.
Coding change: c.862G>C on transcript NM_001165963.4 (MANE Select); coding-DNA position 862, G replaced by C.
Protein change: p.Glu288Gln; replaces glutamic acid 288 with glutamine.
Molecular consequence: missense variant. On other transcripts: 5 prime UTR variant (1), non-coding transcript variant (1).
Genome position (GRCh38, 1-based): chr2:166,051,821, C>G on the plus strand (G>C on the coding strand, the complement: SCN1A is on the minus strand). VCF-style: chr2-166051821-C-G. GRCh37 (hg19) VCF-style: chr2-166908331-C-G.
Other names: p.E288Q:GAG>CAG; c.862G>C, p.Glu288Gln (NM_001165964.3, NM_001202435.3, NM_001353948.2 and 10 more transcripts); c.-1564G>C (NM_001353961.2); short protein forms E288Q.
Identifiers: ClinVar variation 206752 (VCV000206752.4), dbSNP rs796052966, ClinGen allele CA317173.

ClinVar aggregate classification (germline): Uncertain significance. Review status: criteria provided, multiple submitters, no conflicts (2 of 4 stars). 3 submissions from 3 submitters: Uncertain significance (3). Last evaluated 2025-12-31.

Conditions:
Early-infantile DEE. Also called: Early infantile epileptic encephalopathy; Early infantile epileptic encephalopathy with suppression bursts; Ohtahara syndrome. Identifiers: Orphanet 1934, MedGen C0393706, MONDO:0800491.
SCN1A-related disorder. Also called: SCN1A-related disorders; SCN1A-related conditions; SCN1A-related condition.

Allele frequency attached by ClinVar (database versions not stated): gnomAD exomes below 0.00001.
gnomAD v4.1: 1 of 1,612,490 alleles (0.000062%); highest among the groups gnomAD compares: Admixed American, 0.0017%; no homozygotes.

Submissions (3):

3billion
Classification: Uncertain significance for SCN1A-related disorder. Last evaluated: 2025-12-31. Review status: criteria provided, single submitter. Criteria: ACMG Guidelines, 2015. Collection method: clinical testing. Allele origin: germline. Affected: yes.
Comment: The variant is observed at an extremely low frequency in the gnomAD v4.1.0 dataset (total allele frequency: <0.001%). Predicted Consequence/Location: The variant is located in a mutational hot spot and/or well-established functional domain in which established pathogenic variants have been reported. The variant has been reported as of uncertain significance (ClinVar ID: VCV000206752). Therefore, this variant is classified as VUS according to the recommendation of ACMG/AMP guideline.

Labcorp Genetics (formerly Invitae), Labcorp
Classification: Uncertain significance for Early-infantile DEE. Last evaluated: 2025-12-13. Review status: criteria provided, single submitter. Criteria: Invitae Variant Classification Sherloc (09022015). Collection method: clinical testing. Allele origin: germline.
Comment: This sequence change replaces glutamic acid, which is acidic and polar, with glutamine, which is neutral and polar, at codon 288 of the SCN1A protein (p.Glu288Gln). This variant is not present in population databases (gnomAD no frequency). This variant has not been reported in the literature in individuals affected with SCN1A-related conditions. ClinVar contains an entry for this variant (Variation ID: 206752). Invitae Evidence Modeling of protein sequence and biophysical properties (such as structural, functional, and spatial information, amino acid conservation, physicochemical variation, residue mobility, and thermodynamic stability) indicates that this missense variant is not expected to disrupt SCN1A protein function with a negative predictive value of 95%. In summary, the available evidence is currently insufficient to determine the role of this variant in disease. Therefore, it has been classified as a Variant of Uncertain Significance.

GeneDx
Classification: Uncertain significance. Last evaluated: 2012-10-16. Review status: criteria provided, single submitter. Criteria: GeneDx Variant Classification (06012015). Collection method: clinical testing. Allele origin: germline. Affected: yes.
Comment: p.Glu288Gln (GAG>CAG):c.862 G>C in exon 6 of the SCN1A gene (NM_001165963.1) The Glu288Gln missense change has not been published as a mutation, nor has it been reported as a benign polymorphism to our knowledge. The NHLBI ESP Exome Variant Project has not identified Glu288Gln in approximately 6,500 individuals of European or African American ethnicity, indicating that it is not a common benign variant in these populations. The amino acid substitution is non-conservative as a negatively charged Glutamic acid residue is replaced by an uncharged Glutamine residue. Glu288Gln alters a highly conserved position in the intercellular loop between the fifth and sixth segments of the first transmembrane domain in the SCN1A protein and other missense mutations in this region have been reported in association with SCN1A-related disorders in an external mutation database. However, while one model predicts Glu288Gln may be damaging to the structure/function of the protein, other models predict it is benign. Therefore, based on the currently available information, it is unclear whether Glu288Gln is a disease-causing mutation or a rare benign variant. The variant is found in EPILEPSY panel(s).